The following is an entry in ClinVar:

ClinVar aggregate classification (germline): Pathogenic (1 of 4 stars; one submission).

Submission:

Labcorp Genetics (formerly Invitae), Labcorp
Classification: Pathogenic. Last evaluated: 2022-07-19. Review status: criteria provided, single submitter. Criteria: Invitae Variant Classification Sherloc (09022015). Collection method: clinical testing. Allele origin: germline.
Comment: For these reasons, this variant has been classified as Pathogenic. This variant disrupts a region of the EYS protein in which other variant(s) (p.Tyr2935*) have been determined to be pathogenic (PMID: 22363543, 25324289, 26161267). This suggests that this is a clinically significant region of the protein, and that variants that disrupt it are likely to be disease-causing. ClinVar contains an entry for this variant (Variation ID: 1377798). This premature translational stop signal has been observed in individual(s) with retinitis pigmentosa (PMID: 32218477). This variant is not present in population databases (gnomAD no frequency). This sequence change creates a premature translational stop signal (p.Asn2839Lysfs*2) in the EYS gene. While this is not anticipated to result in nonsense mediated decay, it is expected to disrupt the last 306 amino acid(s) of the EYS protein.

Literature cited by the submitters: PubMed 22363543; PubMed 25324289; PubMed 26161267; PubMed 32218477.

NM_001142800.2(EYS):c.8516dup (p.Asn2839fs)

Genes: EYS (EGF-like photoreceptor maintenance factor; minus strand), PHF3 (PHD finger protein 3; plus strand). Cytogenetic location: 6q12.
Variant type: Duplication.
Coding change: c.8516dup on transcript NM_001142800.2 (MANE Select); coding-DNA position 8516, one base duplicated (A; older notation c.8516dupA).
Protein change: p.Asn2839fs; shifts the reading frame from asparagine 2839.
Molecular consequence: frameshift variant. On other transcripts: 3 prime UTR variant (5).
Genome position (GRCh38, 1-based): chr6:63,721,515, T duplicated on the plus strand (A on the coding strand, the reverse complement: EYS is on the minus strand); the first of 4 consecutive T bases (chr6:63,721,515-63,721,518); duplicating any one gives the same sequence. VCF-style (leftmost placement, unchanged base first): chr6-63721514-A-AT. GRCh37 (hg19) VCF-style: chr6-64431410-A-AT.
Other names: c.*7810dup (NM_001290259.2, NM_001370348.2, NM_001370349.2 and 2 more transcripts); c.8579dup, p.Asn2860fs (NM_001292009.2); short protein forms N2860fs, N2839fs.
Identifiers: ClinVar variation 1377798 (VCV001377798.6), dbSNP rs1303017241, ClinGen allele CA826970702.